The following is an entry in ClinVar:

NM_018943.3(TUBA8):c.282A>G (p.Thr94=)

Gene: TUBA8 (tubulin alpha 8; plus strand). Cytogenetic location: 22q11.21.
Variant type: single nucleotide variant.
Coding change: c.282A>G on transcript NM_018943.3 (MANE Select); coding-DNA position 282, A replaced by G.
Protein change: p.Thr94=; no amino-acid change (threonine 94 retained).
Molecular consequence: synonymous variant.
Genome position (GRCh38, 1-based): chr22:18,124,211, A>G. VCF-style: chr22-18124211-A-G. GRCh37 (hg19) VCF-style: chr22-18606978-A-G.
Other names: c.84A>G, p.Thr28= (NM_001193414.2); c.282A>G (NM_018943.2).
Identifiers: ClinVar variation 1592951 (VCV001592951.9), dbSNP rs199691776, ClinGen allele CA10093635.
Genomic context (GRCh38, chr22:18,124,211, plus strand): 5'-GGAAGATGAGGTTCGGGCAGGAACCTACCGCCAGCTCTTCCATCCAGAGCAGCTGATCAC[A>G]GGAAAGGAGGATGCAGCCAACAACTATGCCCGGGGCCACTACACGGTGGGCAAGGAGAGC-3'
Protein context (NP_061816.1, residues 84-104): RQLFHPEQLI[Thr94=]GKEDAANNYA

ClinVar aggregate classification (germline): Likely benign. Review status: criteria provided, multiple submitters, no conflicts (2 of 4 stars). 2 submissions from 2 submitters: Likely benign (2). Last evaluated 2025-11-02.

Conditions:
TUBA8-related disorder. Also called: TUBA8-related condition.

Allele frequency attached by ClinVar (database versions not stated): TOPMed 0.00005; gnomAD exomes 0.00009 and 0.00004; ExAC 0.00010; 1000 Genomes Project 30x 0.00016; 1000 Genomes Project 0.00020; gnomAD 0.00002 and 0.00004.
gnomAD v4.1: 73 of 1,614,182 alleles (0.0045%); highest among the groups gnomAD compares: East Asian, 0.049%; no homozygotes.

Submissions (2):

Labcorp Genetics (formerly Invitae), Labcorp
Classification: Likely benign. Last evaluated: 2025-11-02. Review status: criteria provided, single submitter. Criteria: Invitae Variant Classification Sherloc (09022015). Collection method: clinical testing. Allele origin: germline.

PreventionGenetics, part of Exact Sciences
Classification: Likely benign for TUBA8-related condition. Last evaluated: 2024-10-25. Review status: criteria provided, single submitter. Criteria: ACMG Guidelines, 2015. Collection method: clinical testing. Allele origin: germline.
Comment: This variant is classified as likely benign based on ACMG/AMP sequence variant interpretation guidelines (Richards et al. 2015 PMID: 25741868, with internal and published modifications).